The following is an entry in ClinVar:

ClinVar aggregate classification (germline): Uncertain significance (1 of 4 stars; one submission).

Conditions:
Inborn genetic diseases. Identifiers: MedGen C0950123, MeSH D030342.

Submission:

Ambry Genetics
Classification: Uncertain significance for Inborn genetic diseases. Last evaluated: 2025-01-05. Review status: criteria provided, single submitter. Criteria: Ambry Variant Classification Scheme 2023. Collection method: clinical testing. Allele origin: germline.
Comment: The p.V16L variant (also known as c.46G>T), located in coding exon 2 of the DDX41 gene, results from a G to T substitution at nucleotide position 46. The valine at codon 16 is replaced by leucine, an amino acid with highly similar properties. This amino acid position is conserved. In addition, this alteration is predicted to be tolerated by in silico analysis. Based on the available evidence, the clinical significance of this variant remains unclear.

NM_016222.4(DDX41):c.46G>T (p.Val16Leu)

Gene: DDX41 (DEAD-box helicase 41; minus strand). Cytogenetic location: 5q35.3.
Variant type: single nucleotide variant.
Coding change: c.46G>T on transcript NM_016222.4 (MANE Select); coding-DNA position 46, G replaced by T.
Protein change: p.Val16Leu; replaces valine 16 with leucine.
Molecular consequence: missense variant. On other transcripts: 5 prime UTR variant (2).
Genome position (GRCh38, 1-based): chr5:177,516,817, C>A on the plus strand (G>T on the coding strand, the complement: DDX41 is on the minus strand). VCF-style: chr5-177516817-C-A. GRCh37 (hg19) VCF-style: chr5-176943818-C-A.
Other names: c.-610G>T (NM_001321732.2); c.-402G>T (NM_001321830.2); short protein forms V16L.
Identifiers: ClinVar variation 3838976 (VCV003838976.1).